The following is an entry in ClinVar:

NM_001042603.3(KDM5A):c.3844C>T (p.Arg1282Cys)

Genes: KDM5A (lysine demethylase 5A; minus strand), LOC126861410 (BRD4-independent group 4 enhancer GRCh37_chr12:415875-417074; plus strand). Cytogenetic location: 12p13.33.
Variant type: single nucleotide variant.
Coding change: c.3844C>T on transcript NM_001042603.3 (MANE Select); coding-DNA position 3844, C replaced by T.
Protein change: p.Arg1282Cys; replaces arginine 1282 with cysteine.
Molecular consequence: missense variant.
Genome position (GRCh38, 1-based): chr12:307,540, G>A on the plus strand (C>T on the coding strand, the complement: KDM5A is on the minus strand). VCF-style: chr12-307540-G-A. GRCh37 (hg19) VCF-style: chr12-416706-G-A.
Other names: short protein forms R1282C.
Identifiers: ClinVar variation 1478401 (VCV001478401.6), dbSNP rs1010429341, ClinGen allele CA231381343.

ClinVar aggregate classification (germline): Uncertain significance (1 of 4 stars; one submission).

Allele frequency attached by ClinVar (database versions not stated): gnomAD exomes below 0.00001.
gnomAD v4.1: 6 of 1,614,008 alleles (0.00037%); highest among the groups gnomAD compares: East Asian, 0.0022%; no homozygotes.

Submission:

Labcorp Genetics (formerly Invitae), Labcorp
Classification: Uncertain significance. Last evaluated: 2021-04-23. Review status: criteria provided, single submitter. Criteria: Invitae Variant Classification Sherloc (09022015). Collection method: clinical testing. Allele origin: germline.
Comment: In summary, the available evidence is currently insufficient to determine the role of this variant in disease. Therefore, it has been classified as a Variant of Uncertain Significance. Algorithms developed to predict the effect of missense changes on protein structure and function are either unavailable or do not agree on the potential impact of this missense change (SIFT: "Deleterious"; PolyPhen-2: "Probably Damaging"; Align-GVGD: "Class C0"). This variant has not been reported in the literature in individuals with KDM5A-related conditions. This variant is not present in population databases (ExAC no frequency). This sequence change replaces arginine with cysteine at codon 1282 of the KDM5A protein (p.Arg1282Cys). The arginine residue is moderately conserved and there is a large physicochemical difference between arginine and cysteine.